The following is an entry in ClinVar:

NM_032242.4(PLXNA1):c.1963G>T (p.Asp655Tyr)

Gene: PLXNA1 (plexin A1; plus strand). Cytogenetic location: 3q21.3.
Variant type: single nucleotide variant.
Coding change: c.1963G>T on transcript NM_032242.4 (MANE Select); coding-DNA position 1963, G replaced by T.
Protein change: p.Asp655Tyr; replaces aspartic acid 655 with tyrosine.
Molecular consequence: missense variant.
Genome position (GRCh38, 1-based): chr3:127,006,144, G>T. VCF-style: chr3-127006144-G-T. GRCh37 (hg19) VCF-style: chr3-126724987-G-T.
Other names: short protein forms D655Y.
Identifiers: ClinVar variation 4995559 (VCV004995559.1).

ClinVar aggregate classification (germline): Uncertain significance (1 of 4 stars; one submission).

Conditions:
PLXNA1-related disorder. Also called: PLXNA1-related condition.

Submission:

PreventionGenetics, part of Exact Sciences
Classification: Uncertain significance for PLXNA1-related condition. Last evaluated: 2026-09-21. Review status: criteria provided, single submitter. Criteria: ACMG Guidelines, 2015. Collection method: clinical testing. Allele origin: germline.
Comment: The PLXNA1 c.1963G>T variant is predicted to result in the amino acid substitution p.Asp655Tyr. To our knowledge, this variant has not been reported in the literature or in a large population database (gnomAD), indicating this variant is rare. At this time, the clinical significance of this variant is uncertain due to the absence of conclusive functional and genetic evidence.